The following is an entry in ClinVar:

ClinVar aggregate classification (germline): Uncertain significance (1 of 4 stars; one submission).

Conditions:
Nephronophthisis 15 (NPHP15). Identifiers: Orphanet 3156, MedGen C3541853, MONDO:0013917, OMIM 614845.

Allele frequency attached by ClinVar (database versions not stated): gnomAD exomes below 0.00001; TOPMed below 0.00001.
gnomAD v4.1: 2 of 1,607,182 alleles (0.00012%); highest among the groups gnomAD compares: Non-Finnish European, 0.00017%; no homozygotes.

Submission:

Labcorp Genetics (formerly Invitae), Labcorp
Classification: Uncertain significance for Nephronophthisis 15. Last evaluated: 2021-10-02. Review status: criteria provided, single submitter. Criteria: Invitae Variant Classification Sherloc (09022015). Collection method: clinical testing. Allele origin: germline.
Comment: Variants that disrupt the consensus splice site are a relatively common cause of aberrant splicing (PMID: 17576681, 9536098). Algorithms developed to predict the effect of sequence changes on RNA splicing suggest that this variant may disrupt the consensus splice site. In summary, the available evidence is currently insufficient to determine the role of this variant in disease. Therefore, it has been classified as a Variant of Uncertain Significance. Algorithms developed to predict the effect of missense changes on protein structure and function (SIFT, PolyPhen-2, Align-GVGD) all suggest that this variant is likely to be disruptive. This variant has not been reported in the literature in individuals affected with CEP164-related conditions. This variant is not present in population databases (ExAC no frequency). This sequence change replaces serine with threonine at codon 1030 of the CEP164 protein (p.Ser1030Thr). The serine residue is highly conserved and there is a small physicochemical difference between serine and threonine. This variant also falls at the last nucleotide of exon 24, which is part of the consensus splice site for this exon.

Literature cited by the submitters: PubMed 17576681; PubMed 9536098.

NM_014956.5(CEP164):c.3089G>C (p.Ser1030Thr)

Gene: CEP164 (centrosomal protein 164; plus strand). Cytogenetic location: 11q23.3.
Variant type: single nucleotide variant.
Coding change: c.3089G>C on transcript NM_014956.5 (MANE Select); coding-DNA position 3089, G replaced by C.
Protein change: p.Ser1030Thr; replaces serine 1030 with threonine.
Molecular consequence: missense variant.
Genome position (GRCh38, 1-based): chr11:117,395,722, G>C. VCF-style: chr11-117395722-G-C. GRCh37 (hg19) VCF-style: chr11-117266438-G-C.
Other names: c.3098G>C, p.Ser1033Thr (NM_001271933.2); short protein forms S1030T, S1033T.
Identifiers: ClinVar variation 1036710 (VCV001036710.6), dbSNP rs2045343883, ClinGen allele CA382732528.